The following is an entry in ClinVar:

ClinVar aggregate classification (germline): Conflicting classifications of pathogenicity. Review status: criteria provided, conflicting classifications (1 of 4 stars). 5 submissions from 4 submitters: Uncertain significance (2); Likely benign (3). Last evaluated 2025-12-15.

Conditions:
Asphyxiating thoracic dystrophy 4 (SRTD4). Also called: SHORT-RIB THORACIC DYSPLASIA 4 WITH OR WITHOUT POLYDACTYLY; SHORT-RIB THORACIC DYSPLASIA 4. Identifiers: Orphanet 474, MedGen C3151185, MONDO:0013441, OMIM 613819.
Nephronophthisis 12 (NPHP12). Identifiers: Orphanet 655, MedGen C3151186, MONDO:0013442, OMIM 613820.
TTC21B-related disorder. Also called: TTC21B-related disorders; TTC21B-related condition.
Nephronophthisis. Also called: Juvenile Nephronophthisis. Identifiers: Orphanet 655, MedGen C0687120, MONDO:0019005, HP:0000090.
Jeune thoracic dystrophy. Also called: Short-rib thoracic dysplasia; Jeune syndrome; Infantile thoracic dystrophy; Thoracic pelvic phalangeal dystrophy; Jeune's syndrome; Chondroectodermal dysplasia-like syndrome. Identifiers: Orphanet 474, MedGen C0265275, MONDO:0018770.

Allele frequency attached by ClinVar (database versions not stated): TOPMed below 0.00001; ExAC 0.00007; gnomAD exomes 0.00007 and 0.00011; 1000 Genomes Project 30x 0.00016; 1000 Genomes Project 0.00020.
gnomAD v4.1: 168 of 1,613,396 alleles (0.01%); highest among the groups gnomAD compares: East Asian, 0.34%; 2 homozygotes.

Submissions (5):

Labcorp Genetics (formerly Invitae), Labcorp
Classification: Likely benign for Jeune thoracic dystrophy; Nephronophthisis. Last evaluated: 2025-12-15. Review status: criteria provided, single submitter. Criteria: Invitae Variant Classification Sherloc (09022015). Collection method: clinical testing. Allele origin: germline.

PreventionGenetics, part of Exact Sciences
Classification: Likely benign for TTC21B-related condition. Last evaluated: 2025-10-13. Review status: criteria provided, single submitter. Criteria: ACMG Guidelines, 2015. Collection method: clinical testing. Allele origin: germline.
Comment: This variant is classified as likely benign based on ACMG/AMP sequence variant interpretation guidelines (Richards et al. 2015 PMID: 25741868, with internal and published modifications).

Blueprint Genetics
Classification: Likely benign. Last evaluated: 2024-07-31. Review status: criteria provided, single submitter. Criteria: ACMG Guidelines, 2015. Collection method: clinical testing. Allele origin: germline.

Illumina Laboratory Services, Illumina
Classification: Uncertain significance for Nephronophthisis 12. Last evaluated: 2018-01-13. Review status: criteria provided, single submitter. Criteria: ICSL Variant Classification Criteria 13 December 2019. Collection method: clinical testing. Allele origin: germline.

Illumina Laboratory Services, Illumina
Classification: Uncertain significance for Asphyxiating thoracic dystrophy 4. Last evaluated: 2018-01-13. Review status: criteria provided, single submitter. Criteria: ICSL Variant Classification Criteria 13 December 2019. Collection method: clinical testing. Allele origin: germline.

NM_024753.5(TTC21B):c.876A>G (p.Thr292=)

Gene: TTC21B (tetratricopeptide repeat domain 21B; minus strand). Cytogenetic location: 2q24.3.
Variant type: single nucleotide variant.
Coding change: c.876A>G on transcript NM_024753.5 (MANE Select); coding-DNA position 876, A replaced by G.
Protein change: p.Thr292=; no amino-acid change (threonine 292 retained).
Molecular consequence: synonymous variant.
Genome position (GRCh38, 1-based): chr2:165,931,776, T>C on the plus strand (A>G on the coding strand, the complement: TTC21B is on the minus strand). VCF-style: chr2-165931776-T-C. GRCh37 (hg19) VCF-style: chr2-166788286-T-C.
Identifiers: ClinVar variation 696276 (VCV000696276.12), dbSNP rs185247361, ClinGen allele CA1942311.